The following is an entry in ClinVar:

ClinVar aggregate classification (germline): Uncertain significance. Review status: criteria provided, multiple submitters, no conflicts (2 of 4 stars). 2 submissions from 2 submitters: Uncertain significance (2). Last evaluated 2024-11-10.

gnomAD v4.1: 8 of 1,349,540 alleles (0.00059%); highest among the groups gnomAD compares: South Asian, 0.002%; no homozygotes.

Submissions (2):

Ambry Genetics
Classification: Uncertain significance. Last evaluated: 2024-11-10. Review status: criteria provided, single submitter. Criteria: Ambry Variant Classification Scheme 2023. Collection method: clinical testing. Allele origin: germline.

Labcorp Genetics (formerly Invitae), Labcorp
Classification: Uncertain significance. Last evaluated: 2024-04-10. Review status: criteria provided, single submitter. Criteria: Invitae Variant Classification Sherloc (09022015). Collection method: clinical testing. Allele origin: germline.
Comment: This sequence change replaces proline, which is neutral and non-polar, with leucine, which is neutral and non-polar, at codon 198 of the IRF2BP2 protein (p.Pro198Leu). This variant is not present in population databases (gnomAD no frequency). This variant has not been reported in the literature in individuals affected with IRF2BP2-related conditions. Algorithms developed to predict the effect of missense changes on protein structure and function output the following: SIFT: "Not Available"; PolyPhen-2: "Possibly Damaging"; Align-GVGD: "Not Available". The leucine amino acid residue is found in multiple mammalian species, which suggests that this missense change does not adversely affect protein function. In summary, the available evidence is currently insufficient to determine the role of this variant in disease. Therefore, it has been classified as a Variant of Uncertain Significance.

NM_182972.3(IRF2BP2):c.593C>T (p.Pro198Leu)

Genes: IRF2BP2 (interferon regulatory factor 2 binding protein 2; minus strand), LOC129932811 (ATAC-STARR-seq lymphoblastoid silent region 1976; plus strand). Cytogenetic location: 1q42.3.
Variant type: single nucleotide variant.
Coding change: c.593C>T on transcript NM_182972.3 (MANE Select); coding-DNA position 593, C replaced by T.
Protein change: p.Pro198Leu; replaces proline 198 with leucine.
Molecular consequence: missense variant.
Genome position (GRCh38, 1-based): chr1:234,608,902, G>A on the plus strand (C>T on the coding strand, the complement: IRF2BP2 is on the minus strand). VCF-style: chr1-234608902-G-A. GRCh37 (hg19) VCF-style: chr1-234744648-G-A.
Other names: c.593C>T, p.Pro198Leu (NM_001077397.1); short protein forms P198L.
Identifiers: ClinVar variation 3530005 (VCV003530005.3).